The following is an entry in ClinVar:

NM_016148.5(SHANK1):c.2741_2742del (p.Val914fs)

Gene: SHANK1 (SH3 and multiple ankyrin repeat domains 1; minus strand). Cytogenetic location: 19q13.33.
Variant type: Microsatellite.
Coding change: c.2741_2742del on transcript NM_016148.5 (MANE Select); coding-DNA positions 2741 to 2742, 2 bases deleted (TG; older notation c.2741_2742delTG).
Protein change: p.Val914fs; shifts the reading frame from valine 914.
Molecular consequence: frameshift variant.
Genome position (GRCh38, 1-based): chr19:50,669,218-50,669,219, CA deleted on the plus strand (TG on the coding strand, the reverse complement: SHANK1 is on the minus strand); deleting any 2 consecutive bases within chr19:50,669,218-50,669,221 gives the same sequence; the c. name uses the placement nearest the transcript's 3' end. VCF-style (leftmost placement, unchanged base first): chr19-50669217-GCA-G. GRCh37 (hg19) VCF-style: chr19-51172474-GCA-G.
Other names: short protein forms V914fs.
Identifiers: ClinVar variation 3900654 (VCV003900654.1).

ClinVar aggregate classification (germline): Likely pathogenic (1 of 4 stars; one submission).

Conditions:
Complex neurodevelopmental disorder. Identifiers: Orphanet 528084, MedGen C5568766, MONDO:0100038.

Submission:

CGC Genetics, Unilabs
Classification: Likely pathogenic for Complex neurodevelopmental disorder. Last evaluated: 2025-04-04. Review status: criteria provided, single submitter. Criteria: ACMG Guidelines, 2015. Collection method: clinical testing. Allele origin: unknown. Inheritance: Autosomal dominant inheritance. Affected: yes. Observed: 1 variant allele.
Comment: The NM_016148.5:c.2741_2742del p.(Val914Alafs*57) variant, detected in heterozygosity in exon 23 (of 24) of the SHANK1 gene (chr.19), has not been reported in the literature at the time of this submission, nor in gnomAD. This is a frameshift variant that introduces a premature stop codon, which in turn is expected to lead to the creation of a truncated protein and/or a reduction in its expression due to mRNA degradation. With the information currently available, this should be classified as a likely pathogenic variant. ACMG codes: PVS1; PM2_supporting.